The following is an entry in ClinVar:

NM_021975.4(RELA):c.241C>T (p.Pro81Ser)

Gene: RELA (RELA proto-oncogene, NF-kB subunit; minus strand). Cytogenetic location: 11q13.1.
Variant type: single nucleotide variant.
Coding change: c.241C>T on transcript NM_021975.4 (MANE Select); coding-DNA position 241, C replaced by T.
Protein change: p.Pro81Ser; replaces proline 81 with serine.
Molecular consequence: missense variant. On other transcripts: 5 prime UTR variant (1).
Genome position (GRCh38, 1-based): chr11:65,661,781, G>A on the plus strand (C>T on the coding strand, the complement: RELA is on the minus strand). VCF-style: chr11-65661781-G-A. GRCh37 (hg19) VCF-style: chr11-65429252-G-A.
Other names: c.241C>T, p.Pro81Ser (NM_001145138.2, NM_001243984.2, NM_001243985.2 and 2 more transcripts); c.274C>T, p.Pro92Ser (NM_001404657.1); c.214C>T, p.Pro72Ser (NM_001404658.1); c.-49C>T (NM_001404661.1); c.148C>T, p.Pro50Ser (NM_001404662.1, NM_001404663.1); short protein forms P72S, P81S, P50S, P92S.
Identifiers: ClinVar variation 2905584 (VCV002905584.3), dbSNP rs1484848625, ClinGen allele CA381394456.

ClinVar aggregate classification (germline): Uncertain significance (1 of 4 stars; one submission).

Allele frequency attached by ClinVar (database versions not stated): gnomAD exomes 0.00002; gnomAD 0.00003.
gnomAD v4.1: 13 of 1,613,790 alleles (0.00081%); highest among the groups gnomAD compares: Admixed American, 0.022%; no homozygotes.

Submission:

Labcorp Genetics (formerly Invitae), Labcorp
Classification: Uncertain significance. Last evaluated: 2023-06-16. Review status: criteria provided, single submitter. Criteria: Invitae Variant Classification Sherloc (09022015). Collection method: clinical testing. Allele origin: germline.
Comment: In summary, the available evidence is currently insufficient to determine the role of this variant in disease. Therefore, it has been classified as a Variant of Uncertain Significance. An algorithm developed to predict the effect of missense changes on protein structure and function (PolyPhen-2) suggests that this variant is likely to be tolerated. This variant has not been reported in the literature in individuals affected with RELA-related conditions. This variant is present in population databases (no rsID available, gnomAD 0.02%). This sequence change replaces proline, which is neutral and non-polar, with serine, which is neutral and polar, at codon 81 of the RELA protein (p.Pro81Ser).